The following is an entry in ClinVar:

NM_000044.6(AR):c.2395C>G (p.Gln799Glu)

Gene: AR (androgen receptor; plus strand). Cytogenetic location: Xq12.
Variant type: single nucleotide variant.
Coding change: c.2395C>G on transcript NM_000044.6 (MANE Select); coding-DNA position 2395, C replaced by G.
Protein change: p.Gln799Glu; replaces glutamine 799 with glutamic acid.
Molecular consequence: missense variant.
Genome position (GRCh38, 1-based): chrX:67,721,909, C>G. VCF-style: chrX-67721909-C-G. GRCh37 (hg19) VCF-style: chrX-66941751-C-G.
Other names: Q798E; c.799C>G, p.Gln267Glu (NM_001011645.3); c.2395C>G (NM_000044.2, NM_000044.3); short protein forms Q267E, Q799E.
Identifiers: ClinVar variation 9846 (VCV000009846.43), dbSNP rs137852591, ClinGen allele CA120774.

ClinVar aggregate classification (germline): Conflicting classifications of pathogenicity. Review status: criteria provided, conflicting classifications (1 of 4 stars). 11 submissions from 11 submitters: Pathogenic (1); Likely pathogenic (1); Uncertain significance (3); Benign (1); Likely benign (3). 2 of the submissions do not count toward it. Last evaluated 2026-07-01.

Conditions:
Kennedy disease (SMAX1). Also called: SPINAL AND BULBAR MUSCULAR ATROPHY, X-LINKED 1; KENNEDY SPINAL AND BULBAR MUSCULAR ATROPHY; Spinal and Bulbar Muscular Atrophy. Identifiers: Orphanet 481, MedGen C1839259, MONDO:0010735, OMIM 313200.
Androgen resistance syndrome (AIS). Also called: ANDROGEN RECEPTOR DEFICIENCY; TESTICULAR FEMINIZATION SYNDROME; DIHYDROTESTOSTERONE RECEPTOR DEFICIENCY; Androgen insensitivity; DHTR DEFICIENCY; Androgen insensitivity syndrome. Identifiers: Orphanet 754, Orphanet 99429, MedGen C0039585, MONDO:0019154, OMIM 300068. Disease mechanism: loss of function.
Male infertility. Identifiers: MedGen C0021364, MeSH D007248, MONDO:0005372, HP:0003251.
Partial androgen insensitivity syndrome (PAIS). Also called: Reifenstein syndrome; Pseudohermaphroditism, Incomplete male, type I; ANDROGEN INSENSITIVITY, PARTIAL, WITH OR WITHOUT BREAST CANCER; Reifenstein syndrome, partial; Androgen resistance syndrome, partial; Type I familial incomplete male pseudohermaphroditism. Identifiers: Orphanet 90797, MedGen C0268301, MONDO:0010720, OMIM 312300.
Prostate cancer. Also called: Malignant tumor of prostate. Identifiers: Orphanet 1331, MedGen C0376358, MONDO:0008315, HP:0012125.

Allele frequency attached by ClinVar (database versions not stated): gnomAD 0.00132 and 0.00137; ExAC 0.00174; TOPMed 0.00093; gnomAD exomes 0.00153 and 0.00140.
gnomAD v4.1: 1,803 of 1,209,115 alleles (0.15%); highest among the groups gnomAD compares: Non-Finnish European, 0.17%; 2 homozygotes.

Submissions (11):

CeGaT Center for Human Genetics Tuebingen
Classification: Likely benign. Last evaluated: 2026-07-01. Review status: criteria provided, single submitter. Criteria: CeGaT Center For Human Genetics Tuebingen Variant Classification Criteria Version 2. Collection method: clinical testing. Allele origin: germline. Affected: yes. Observed: 9 variant alleles.
Comment: AR: BS2

Labcorp Genetics (formerly Invitae), Labcorp
Classification: Benign for Kennedy disease; Androgen resistance syndrome. Last evaluated: 2026-01-27. Review status: criteria provided, single submitter. Criteria: Invitae Variant Classification Sherloc (09022015). Collection method: clinical testing. Allele origin: germline.

GeneDx
Classification: Uncertain significance. Last evaluated: 2025-12-22. Review status: criteria provided, single submitter. Criteria: GeneDx Variant Classification Process June 2021. Collection method: clinical testing. Allele origin: germline. Affected: yes.
Comment: Reported in two unrelated males with partial androgen insensitivity (PAIS) and has subsequently been reported in several males with idiopathic infertility who did not have other symptoms of AIS (PMID: 1307250, 7671849, 9851768, 10946887, 17054461, 32155011); Functional studies indicate that this variant does not impair androgen binding but may partially impair transactivation activity (PMID: 10946887, 1307250, 9851768); Missense variants in this gene are often considered pathogenic (HGMD); In silico analysis supports that this missense variant has a deleterious effect on protein structure/function; This variant is associated with the following publications: (PMID: 36964972, 35809576, 36394509, 34493867, 35432193, 7671849, 17054461, 28146470, 20410220, 22412043, 23637914, 8824883, 9851768, 29237170, 29723568, 29768628, 30665703, 23518348, 22645304, 22403669, 34426522, 31871297, 31980526, 32155011, 31499074, 34308104, 36459502, 36806291, 33750429, 36921044, 1307250, 10946887, 34803902, 39371182, 40882352, 40072281)

Laboratory of Genetics, Children's Clinical University Hospital Latvia
Classification: Likely benign. Last evaluated: 2025-02-16. Review status: criteria provided, single submitter. Criteria: ACMG Guidelines, 2015. Collection method: clinical testing. Allele origin: germline. Affected: yes.

Blueprint Genetics
Classification: Likely benign. Last evaluated: 2024-11-26. Review status: criteria provided, single submitter. Criteria: ACMG Guidelines, 2015. Collection method: clinical testing. Allele origin: germline.

Institute of Reproductive Genetics, University of Münster
Classification: Uncertain significance for Male infertility. Last evaluated: 2024-01-16. Review status: criteria provided, single submitter. Criteria: Uk Practice Guidelines For Variant Classification V4 01 2020. Collection method: research, in vitro. Allele origin: germline, not applicable. Observed: 6 variant alleles, 6 hemizygotes. Clinical features observed: Azoospermia (HP:0000027).

Women's Health and Genetics/Laboratory Corporation of America, LabCorp
Classification: Uncertain significance. Last evaluated: 2023-05-12. Review status: criteria provided, single submitter. Criteria: LabCorp Variant Classification Summary - May 2015. Collection method: clinical testing. Allele origin: germline.
Comment: Variant summary: AR c.2395C>G (p.Gln799Glu) results in a conservative amino acid change located in the Nuclear hormone receptor, ligand-binding domain (IPR000536) of the encoded protein sequence. Three of five in-silico tools predict a damaging effect of the variant on protein function. The variant allele was found at a frequency of 0.0014 in 183191 control chromosomes to include both hemizygous males and heterozygous females. This frequency does not allow conclusions about variant significance, although pointing to a benign outcome. These data do not allow any conclusion about variant significance. Multiple publications report experimental evidence evaluating an impact on protein function (example, Wang_1998, Petroli_2017). The most pronounced variant effect results in normal ability to bind androgen receptor (Wang_1998, Petroli_2017) and conflicting results in transactivation activity ranging from a slight reduction to normal levels (Wang_1998, Petroli_2017). Furthermore, a recent report has identified that a complex allele combination of this variant with p.Cys807Phe results in a deleterious outcome thereby questioning the role of this variant in isolation in the associated pathophysiology of disease (Petroli_2017). The following publications have been ascertained in the context of this evaluation (PMID: 1307250, 10946887, 29237170, 9921903). Three clinical diagnostic laboratories have submitted clinical-significance assessments for this variant to ClinVar after 2014 without evidence for independent evaluation. Based on the evidence outlined above, the variant was classified as VUS-possibly benign.

Mendelics
Classification: Pathogenic for Familial prostate cancer. Last evaluated: 2022-05-04. Review status: criteria provided, single submitter. Criteria: Mendelics Assertion Criteria 2019. Collection method: clinical testing. Allele origin: germline.

Center for Pediatric Genomic Medicine, Children's Mercy Hospital and Clinics
Classification: Likely pathogenic. Last evaluated: 2015-02-02. Review status: criteria provided, single submitter. Criteria: ACMG Guidelines, 2015. Collection method: clinical testing. Allele origin: germline.

OMIM
Classification: Pathogenic for ANDROGEN INSENSITIVITY, PARTIAL. Last evaluated: 1998-12-01. Review status: no assertion criteria provided. Collection method: literature only. Allele origin: germline. Not counted in ClinVar's aggregate classification.

Department of Pathology and Laboratory Medicine, Sinai Health System
Classification: Uncertain significance. Review status: no assertion criteria provided. Collection method: clinical testing. Allele origin: unknown. Affected: yes. Study: The Canadian Open Genetics Repository (COGR). Not counted in ClinVar's aggregate classification.
Comment: The AR p.Q799E variant was identified in the literature in multiple patients with androgen insensitivity syndrome (AIS), including the complete, partial and mild forms (Batch_1992_PMID:1307250; Petroli_2017_PMID:29237170; JâˆšÂ§âˆšÂ§skelâˆšÂ§inen_2006_PMID:16595706; Hughes_2012_PMID:23044881). The variant was identified in dbSNP (ID: rs137852591), LOVD 3.0, Cosmic and ClinVar (classified as likely pathogenic by Center for Pediatric Genomic Medicine, Children's Mercy Hospital and Clinics). The variant was also found in the Cambridge AR Mutation Database in association with mild AIS and partial AIS (Hughes_2012_PMID:23044881). The variant was identified in control databases in 305 of 204870 chromosomes (104 hemizygous) at a frequency of 0.001489 increasing the likelihood this could be a low frequency benign variant (Genome Aggregation Database March 6, 2019, v2.1.1). The variant was observed in the following populations: European (Finnish) in 51 of 18607 chromosomes (freq: 0.002741), European (non-Finnish) in 229 of 92423 chromosomes (freq: 0.002478), Ashkenazi Jewish in 11 of 7652 chromosomes (freq: 0.001438), Other in 6 of 5319 chromosomes (freq: 0.001128), Latino in 6 of 28040 chromosomes (freq: 0.000214), African in 1 of 18937 chromosomes (freq: 0.000053) and South Asian in 1 of 19071 chromosomes (freq: 0.000052), but was not observed in the East Asian population. Petroli et al. (2017) also identified the p.Q799E variant as a double mutant with p.F726V in another patient with AIS, suggesting that the p.Q799E variant may modulate or contribute to the AIS phenotype. Despite being found in the ligand binding domain, multiple functional studies have not found any ligand binding defects from this variant, and the effect of this variant on receptor trans-activation function has been minimal or insignificant compared to wildtype (Wang_1998_PMID:9851768; Bevan_1995_PMID:8824883; JâˆšÂ§âˆšÂ§skelâˆšÂ§inen_2006_PMID:16595706). The p.Gln799 residue is conserved in mammals and computational analyses (PolyPhen-2, SIFT, AlignGVGD, BLOSUM, MutationTaster) provide inconsistent predictions regarding the impact to the protein; this information is not very predictive of pathogenicity. In summary, based on the above information the clinical significance of this variant cannot be determined with certainty at this time. The variant occurs outside of the splicing consensus sequence and three of four in silico or computational prediction software programs (SpliceSiteFinder, MaxEntScan, NNSPLICE, GeneSplicer) do not predict a difference in splicing. This variant is classified as a variant of uncertain significance, although this variant may contribute to AIS when found in combination with other AR variants.

Literature cited by the submitters: PubMed 9921903 (cited by Women's Health and Genetics/Laboratory Corporation of America, LabCorp); PubMed 1307250 (cited by Women's Health and Genetics/Laboratory Corporation of America, LabCorp); PubMed 8723113 (cited by Women's Health and Genetics/Laboratory Corporation of America, LabCorp); PubMed 7671849 (cited by Women's Health and Genetics/Laboratory Corporation of America, LabCorp); PubMed 8628719 (cited by Women's Health and Genetics/Laboratory Corporation of America, LabCorp); PubMed 10946887 (cited by Women's Health and Genetics/Laboratory Corporation of America, LabCorp); PubMed 29237170 (cited by Women's Health and Genetics/Laboratory Corporation of America, LabCorp); PubMed 9851768 (cited by OMIM); PubMed 8824883 (cited by OMIM).